The following is an entry in ClinVar:

ClinVar aggregate classification (germline): Uncertain significance (1 of 4 stars; one submission).

Conditions:
KBG syndrome (KBGS). Also called: ANKRD11-Related KBG Syndrome. Identifiers: Orphanet 2332, MedGen C0220687, MONDO:0007846, OMIM 148050.

gnomAD v4.1: 3 of 1,614,074 alleles (0.00019%); highest among the groups gnomAD compares: African/African-American, 0.004%; no homozygotes.

Submission:

Labcorp Genetics (formerly Invitae), Labcorp
Classification: Uncertain significance for KBG syndrome. Last evaluated: 2024-09-12. Review status: criteria provided, single submitter. Criteria: Invitae Variant Classification Sherloc (09022015). Collection method: clinical testing. Allele origin: germline.
Comment: This sequence change replaces cysteine, which is neutral and slightly polar, with tyrosine, which is neutral and polar, at codon 1756 of the ANKRD11 protein (p.Cys1756Tyr). This variant is present in population databases (rs377219970, gnomAD 0.007%). This variant has not been reported in the literature in individuals affected with ANKRD11-related conditions. Invitae Evidence Modeling of protein sequence and biophysical properties (such as structural, functional, and spatial information, amino acid conservation, physicochemical variation, residue mobility, and thermodynamic stability) indicates that this missense variant is not expected to disrupt ANKRD11 protein function with a negative predictive value of 95%. In summary, the available evidence is currently insufficient to determine the role of this variant in disease. Therefore, it has been classified as a Variant of Uncertain Significance.

NM_013275.6(ANKRD11):c.5267G>A (p.Cys1756Tyr)

Gene: ANKRD11 (ankyrin repeat domain 11; minus strand). Cytogenetic location: 16q24.3.
Variant type: single nucleotide variant.
Coding change: c.5267G>A on transcript NM_013275.6 (MANE Select); coding-DNA position 5267, G replaced by A.
Protein change: p.Cys1756Tyr; replaces cysteine 1756 with tyrosine.
Molecular consequence: missense variant.
Genome position (GRCh38, 1-based): chr16:89,281,275, C>T on the plus strand (G>A on the coding strand, the complement: ANKRD11 is on the minus strand). VCF-style: chr16-89281275-C-T. GRCh37 (hg19) VCF-style: chr16-89347683-C-T.
Other names: c.5267G>A, p.Cys1756Tyr (NM_001256182.2, NM_001256183.2); short protein forms C1756Y.
Identifiers: ClinVar variation 3710776 (VCV003710776.2).